The following is an entry in ClinVar:

ClinVar aggregate classification (somatic clinical impact): Tier I - Strong (1 of 4 stars; one submission).

Conditions:
Diffuse midline glioma, H3 K27M-mutant. Identifiers: MedGen C4289688, MONDO:0957196.

Submission:

Institute for Genomic Medicine (IGM) Clinical Laboratory, Nationwide Children's Hospital
Classification: Tier I - Strong for Diffuse midline glioma, H3 K27M-mutant. Assertion type: diagnostic. Clinical significance: supports diagnosis. Last evaluated: 2024-08-29. Review status: criteria provided, single submitter. Criteria: AMP/ASCO/CAP Guidelines, 2017. Collection method: clinical testing. Allele origin: somatic. Affected: yes.
Comment: Variant has Tier I (strong) clinical significance as a diagnostic inclusion criterion in diffuse midline glioma, H3 K27M-mutant, based on the following evidence: 1) Documented in one or more cancer databases (e.g., St. Jude Pecan, COSMIC, CIViC, OncoKB). 2) Appears in one or more well-established professional guidelines (e.g., World Health Organization [WHO]; National Comprehensive Cancer Network [NCCN]) as providing diagnostic, prognostic, or therapeutic information. 3) Diagnostic for a specific tumor type/classification based on well-powered studies with expert-level consensus (Evidence Level B).

NM_005228.5(EGFR):c.898GTG[1] (p.Val301del)

Gene: EGFR (epidermal growth factor receptor; plus strand). Cytogenetic location: 7p11.2.
Variant type: Microsatellite.
Coding change: c.898GTG[1] on transcript NM_005228.5 (MANE Select); one copy of the 3-base unit GTG starting at c.898; the reference has two copies in a row; one copy, 3 bases deleted; also written c.901_903del.
Protein change: p.Val301del; deletes valine 301.
Genome position (GRCh38, 1-based): chr7:55,155,841-55,155,843, GTG deleted; deleting any 3 consecutive bases within chr7:55,155,838-55,155,843 gives the same sequence; the position shown is the placement nearest the transcript's 3' end. VCF-style (leftmost placement, unchanged base first): chr7-55155837-TGTG-T. GRCh37 (hg19) VCF-style: chr7-55223530-TGTG-T.
Other names: c.901_903del (NM_005228.5); c.763GTG[1], p.Val256del (NM_001346897.2, NM_001346899.2); c.898GTG[1], p.Val301del (NM_001346898.2, NM_201282.2, NM_201283.2 and 1 more transcripts); c.739GTG[1], p.Val248del (NM_001346900.2); c.97GTG[1], p.Val34del (NM_001346941.2); short protein forms V248del, V256del, V301del, V34del.
Identifiers: ClinVar variation 4530049 (VCV004530049.1).